The following is an entry in ClinVar:

ClinVar aggregate classification (germline): Pathogenic. Review status: criteria provided, multiple submitters, no conflicts (2 of 4 stars). 2 submissions from 2 submitters: Pathogenic (2). Last evaluated 2023-07-07.

Conditions:
Hereditary cancer-predisposing syndrome. Also called: Hereditary Cancer Syndrome; Hereditary neoplastic syndrome; Neoplastic Syndromes, Hereditary; Tumor predisposition. Identifiers: Orphanet 140162, MedGen C0027672, MeSH D009386, MONDO:0015356.
Familial cancer of breast. Also called: BREAST CANCER, FAMILIAL; Hereditary breast cancer; hereditary breast carcinoma. Identifiers: Orphanet 227535, MedGen C0346153, MONDO:0016419, OMIM 114480. Disease mechanism: loss of function.

Submissions (2):

Labcorp Genetics (formerly Invitae), Labcorp
Classification: Pathogenic for Familial cancer of breast. Last evaluated: 2023-07-07. Review status: criteria provided, single submitter. Criteria: Invitae Variant Classification Sherloc (09022015). Collection method: clinical testing. Allele origin: germline.
Comment: This sequence change creates a premature translational stop signal (p.His459Metfs*16) in the BARD1 gene. It is expected to result in an absent or disrupted protein product. Loss-of-function variants in BARD1 are known to be pathogenic (PMID: 20077502, 21344236). For these reasons, this variant has been classified as Pathogenic. ClinVar contains an entry for this variant (Variation ID: 1771138). This variant has not been reported in the literature in individuals affected with BARD1-related conditions. This variant is not present in population databases (gnomAD no frequency).

Ambry Genetics
Classification: Pathogenic for Hereditary cancer-predisposing syndrome. Last evaluated: 2022-06-16. Review status: criteria provided, single submitter. Criteria: Ambry Variant Classification Scheme 2023. Collection method: clinical testing. Allele origin: germline.
Comment: The c.1375delC pathogenic mutation, located in coding exon 5 of the BARD1 gene, results from a deletion of one nucleotide at nucleotide position 1375, causing a translational frameshift with a predicted alternate stop codon (p.H459Mfs*16). This variant is considered to be rare based on population cohorts in the Genome Aggregation Database (gnomAD). This alteration is expected to result in loss of function by premature protein truncation or nonsense-mediated mRNA decay. As such, this alteration is interpreted as a disease-causing mutation.

Literature cited by the submitters: PubMed 20077502 (cited by Labcorp Genetics (formerly Invitae), Labcorp); PubMed 21344236 (cited by Labcorp Genetics (formerly Invitae), Labcorp).

NM_000465.4(BARD1):c.1375del (p.His459fs)

Gene: BARD1 (BRCA1 associated RING domain 1; minus strand). Cytogenetic location: 2q35.
Variant type: Deletion.
Coding change: c.1375del on transcript NM_000465.4 (MANE Select); coding-DNA position 1375, one base deleted (C; older notation c.1375delC).
Protein change: p.His459fs; shifts the reading frame from histidine 459.
Molecular consequence: frameshift variant. On other transcripts: non-coding transcript variant (3), intron variant (3).
Genome position (GRCh38, 1-based): chr2:214,769,252, G deleted on the plus strand (C on the coding strand, the reverse complement: BARD1 is on the minus strand); the first of 2 consecutive G bases (chr2:214,769,252-214,769,253); deleting either gives the same sequence. VCF-style (leftmost placement, unchanged base first): chr2-214769251-TG-T. GRCh37 (hg19) VCF-style: chr2-215633975-TG-T.
Other names: c.1318del, p.His440fs (NM_001282543.2); c.159-16697del (NM_001282548.2); c.216-16697del (NM_001282545.2); c.364+23045del (NM_001282549.2); short protein forms H440fs, H459fs.
Identifiers: ClinVar variation 1771138 (VCV001771138.5), dbSNP rs2469454164, ClinGen allele CA2580065637.